The following is an entry in ClinVar:

ClinVar aggregate classification (germline): Likely benign. Review status: criteria provided, multiple submitters, no conflicts (2 of 4 stars). 2 submissions from 2 submitters: Likely benign (2). Last evaluated 2025-01-28.

Conditions:
NDUFAF2-related disorder. Also called: NDUFAF2-related disorders.

Allele frequency attached by ClinVar (database versions not stated): gnomAD 0.00004; TOPMed 0.00004; gnomAD exomes below 0.00001.
gnomAD v4.1: 12 of 1,614,084 alleles (0.00074%); highest among the groups gnomAD compares: African/African-American, 0.015%; no homozygotes.

Submissions (2):

PreventionGenetics, part of Exact Sciences
Classification: Likely benign for NDUFAF2-related condition. Last evaluated: 2025-01-28. Review status: criteria provided, single submitter. Criteria: ACMG Guidelines, 2015. Collection method: clinical testing. Allele origin: germline.
Comment: This variant is classified as likely benign based on ACMG/AMP sequence variant interpretation guidelines (Richards et al. 2015 PMID: 25741868, with internal and published modifications).

Labcorp Genetics (formerly Invitae), Labcorp
Classification: Likely benign. Last evaluated: 2023-06-29. Review status: criteria provided, single submitter. Criteria: Invitae Variant Classification Sherloc (09022015). Collection method: clinical testing. Allele origin: germline.

NM_174889.5(NDUFAF2):c.102C>T (p.Tyr34=)

Gene: NDUFAF2 (NADH:ubiquinone oxidoreductase complex assembly factor 2; plus strand). Cytogenetic location: 5q12.1.
Variant type: single nucleotide variant.
Coding change: c.102C>T on transcript NM_174889.5 (MANE Select); coding-DNA position 102, C replaced by T.
Protein change: p.Tyr34=; no amino-acid change (tyrosine 34 retained).
Molecular consequence: synonymous variant.
Genome position (GRCh38, 1-based): chr5:60,945,357, C>T. VCF-style: chr5-60945357-C-T. GRCh37 (hg19) VCF-style: chr5-60241184-C-T.
Other names: c.102C>T (NM_174889.4).
Identifiers: ClinVar variation 2964773 (VCV002964773.4), dbSNP rs1271083313, ClinGen allele CA444523264.